The following is an entry in ClinVar:

ClinVar aggregate classification (germline): Likely benign. Review status: criteria provided, multiple submitters, no conflicts (2 of 4 stars). 2 submissions from 2 submitters: Likely benign (2). Last evaluated 2025-12-24.

Conditions:
Juvenile polyposis/hereditary hemorrhagic telangiectasia syndrome (JPHT). Also called: JP/HHT SYNDROME; JUVENILE POLYPOSIS WITH HEREDITARY HEMORRHAGIC TELANGIECTASIA; POLYPOSIS, GENERALIZED JUVENILE, WITH PULMONARY ARTERIOVENOUS MALFORMATION; TELANGIECTASIA, HEREDITARY HEMORRHAGIC, WITH JUVENILE POLYPOSIS COLI; Juvenile Polyposis Syndrome / Hereditary Hemorrhagic Telangiectasia (JPS/HHT). Identifiers: Orphanet 2929, MedGen C1832942, MONDO:0008278, OMIM 175050.
Juvenile polyposis syndrome (JPS). Identifiers: Orphanet 2929, MedGen C0345893, MONDO:0017380, OMIM 174900.

gnomAD v4.1: 1 of 1,547,682 alleles (0.000065%); highest among the groups gnomAD compares: South Asian, 0.0011%; no homozygotes.

Submissions (2):

Labcorp Genetics (formerly Invitae), Labcorp
Classification: Likely benign for Juvenile polyposis syndrome. Last evaluated: 2025-12-24. Review status: criteria provided, single submitter. Criteria: Invitae Variant Classification Sherloc (09022015). Collection method: clinical testing. Allele origin: germline.

Myriad Genetics, Inc.
Classification: Likely benign for Juvenile polyposis/hereditary hemorrhagic telangiectasia syndrome. Last evaluated: 2025-03-19. Review status: criteria provided, single submitter. Criteria: Myriad Autosomal Dominant, Autosomal Recessive and X-Linked Classification Criteria (2023). Collection method: clinical testing. Allele origin: unknown.
Comment: This variant is considered likely benign. This variant is intronic and is not expected to impact mRNA splicing.

NM_005359.6(SMAD4):c.425-15C>T

Gene: SMAD4 (SMAD family member 4; plus strand). Cytogenetic location: 18q21.2.
Variant type: single nucleotide variant.
Coding change: c.425-15C>T on transcript NM_005359.6 (MANE Select); 15 bases into the intron before coding-DNA position 425, C replaced by T.
Molecular consequence: intron variant.
Genome position (GRCh38, 1-based): chr18:51,049,280, C>T. VCF-style: chr18-51049280-C-T. GRCh37 (hg19) VCF-style: chr18-48575650-C-T.
Other names: c.425-15C>T (NM_001407042.1, NM_001407041.1, NM_001407043.1).
Identifiers: ClinVar variation 3903865 (VCV003903865.2).
Genomic context (GRCh38, chr18:51,049,280, plus strand): 5'-TCTCTGTTTTTAAATGGAAAATACTTTCATTGTAATGATTAATGTTTCATTTGTTTTCCC[C>T]TTTAAACAATTAAGATCTCTCAGGATTAACACTGCAGAGTAATGGTAGGTAATCTGTTTC-3'